The following is an entry in ClinVar:

ClinVar aggregate classification (germline): Benign. Review status: criteria provided, multiple submitters, no conflicts (2 of 4 stars). 2 submissions from 2 submitters: Benign (2). Last evaluated 2018-06-18.

Allele frequency attached by ClinVar (database versions not stated): gnomAD 0.17462 and 0.17790; TOPMed 0.18553; 1000 Genomes Project 30x 0.26031; 1000 Genomes Project 0.26577.
gnomAD v4.1: 175,677 of 1,427,064 alleles (12%); highest among the groups gnomAD compares: East Asian, 44%; 16,001 homozygotes.

Submissions (2):

GeneDx
Classification: Benign. Last evaluated: 2018-06-18. Review status: criteria provided, single submitter. Criteria: GeneDx Variant Classification (06012015). Collection method: clinical testing. Allele origin: germline. Affected: yes.
Comment: This variant is considered likely benign or benign based on one or more of the following criteria: it is a conservative change, it occurs at a poorly conserved position in the protein, it is predicted to be benign by multiple in silico algorithms, and/or has population frequency not consistent with disease.

Breakthrough Genomics
Classification: Benign. Review status: criteria provided, single submitter. Criteria: ACMG Guidelines, 2015. Collection method: not provided. Allele origin: germline. Inheritance: Autosomal dominant inheritance. Affected: yes.

NM_000069.3(CACNA1S):c.3054-72C>T

Gene: CACNA1S (calcium voltage-gated channel subunit alpha1 S; minus strand). Cytogenetic location: 1q32.1.
Variant type: single nucleotide variant.
Coding change: c.3054-72C>T on transcript NM_000069.3 (MANE Select); 72 bases into the intron before coding-DNA position 3054, C replaced by T.
Molecular consequence: intron variant.
Genome position (GRCh38, 1-based): chr1:201,061,540, G>A on the plus strand (C>T on the coding strand, the complement: CACNA1S is on the minus strand). VCF-style: chr1-201061540-G-A. GRCh37 (hg19) VCF-style: chr1-201030668-G-A.
Identifiers: ClinVar variation 678301 (VCV000678301.2), dbSNP rs2297904, ClinGen allele CA10748472.